The following is an entry in ClinVar:

NM_000091.5(COL4A3):c.2350A>G (p.Asn784Asp)

Genes: COL4A3 (collagen type IV alpha 3 chain; plus strand), MFF-DT (MFF divergent transcript; minus strand). Cytogenetic location: 2q36.3.
Variant type: single nucleotide variant.
Coding change: c.2350A>G on transcript NM_000091.5 (MANE Select); coding-DNA position 2350, A replaced by G.
Protein change: p.Asn784Asp; replaces asparagine 784 with aspartic acid.
Molecular consequence: missense variant.
Genome position (GRCh38, 1-based): chr2:227,280,566, A>G. VCF-style: chr2-227280566-A-G. GRCh37 (hg19) VCF-style: chr2-228145282-A-G.
Other names: short protein forms N784D.
Identifiers: ClinVar variation 2443675 (VCV002443675.1), dbSNP rs909666135, ClinGen allele CA66598732.

ClinVar aggregate classification (germline): Uncertain significance (1 of 4 stars; one submission).

Allele frequency attached by ClinVar (database versions not stated): TOPMed below 0.00001.

Submission:

GeneDx
Classification: Uncertain significance. Last evaluated: 2022-09-13. Review status: criteria provided, single submitter. Criteria: GeneDx Variant Classification Process June 2021. Collection method: clinical testing. Allele origin: germline. Affected: yes.
Comment: Not observed at significant frequency in large population cohorts (gnomAD); Occurs in the triple helical domain at the X position in the canonical Gly-X-Y repeat; although this variant may have an effect on normal protein folding and function, missense substitution at the X position is not a common mechanism of disease; In silico analysis supports that this missense variant does not alter protein structure/function; Has not been previously published as pathogenic or benign to our knowledge